The following is an entry in ClinVar:

NM_000051.4(ATM):c.7307+8G>C

Genes: ATM (ATM serine/threonine kinase; plus strand), C11orf65 (chromosome 11 open reading frame 65; minus strand). Cytogenetic location: 11q22.3.
Variant type: single nucleotide variant.
Coding change: c.7307+8G>C on transcript NM_000051.4 (MANE Select); 8 bases into the intron after coding-DNA position 7307, G replaced by C.
Molecular consequence: intron variant.
Genome position (GRCh38, 1-based): chr11:108,329,246, G>C. VCF-style: chr11-108329246-G-C. GRCh37 (hg19) VCF-style: chr11-108199973-G-C.
Other names: c.7307+8G>C (NM_001351834.2); c.641-20175C>G (NM_001330368.2); c.*38+5974C>G (NM_001351110.2).
Identifiers: ClinVar variation 390059 (VCV000390059.12), dbSNP rs1057523631, ClinGen allele CA16606848.

ClinVar aggregate classification (germline): Likely benign. Review status: criteria provided, multiple submitters, no conflicts (2 of 4 stars). 4 submissions from 4 submitters: Likely benign (4). Last evaluated 2025-06-10.

Conditions:
ATM-related disorder. Also called: ATM-related disorders; ATM-related condition.
Familial cancer of breast. Also called: Hereditary breast cancer; BREAST CANCER, FAMILIAL; hereditary breast carcinoma. Identifiers: Orphanet 227535, MedGen C0346153, MONDO:0016419, OMIM 114480. Disease mechanism: loss of function.
Ataxia-telangiectasia syndrome (AT). Also called: LOUIS-BAR SYNDROME; Cerebello-oculocutaneous telangiectasia; Immunodeficiency with ataxia telangiectasia; Ataxia-telangiectasia, complementation group D; AT, COMPLEMENTATION GROUP C; Ataxia-telangiectasia, complementation group E. Identifiers: Orphanet 100, MedGen C0004135, MONDO:0008840, OMIM 208900.

Allele frequency attached by ClinVar (database versions not stated): gnomAD exomes below 0.00001.
gnomAD v4.1: 1 of 1,606,090 alleles (0.000062%); highest among the groups gnomAD compares: Non-Finnish European, 0.000085%; no homozygotes.

Submissions (4):

Labcorp Genetics (formerly Invitae), Labcorp
Classification: Likely benign for Ataxia-telangiectasia syndrome. Last evaluated: 2025-06-10. Review status: criteria provided, single submitter. Criteria: Invitae Variant Classification Sherloc (09022015). Collection method: clinical testing. Allele origin: germline.

PreventionGenetics, part of Exact Sciences
Classification: Likely benign for ATM-related condition. Last evaluated: 2024-10-16. Review status: criteria provided, single submitter. Criteria: ACMG Guidelines, 2015. Collection method: clinical testing. Allele origin: germline.
Comment: This variant is classified as likely benign based on ACMG/AMP sequence variant interpretation guidelines (Richards et al. 2015 PMID: 25741868, with internal and published modifications).

Myriad Genetics, Inc.
Classification: Likely benign for Familial cancer of breast. Last evaluated: 2024-06-13. Review status: criteria provided, single submitter. Criteria: Myriad Autosomal Dominant, Autosomal Recessive and X-Linked Classification Criteria (2023). Collection method: clinical testing. Allele origin: unknown.
Comment: This variant is considered likely benign. This variant is intronic and is not expected to impact mRNA splicing.

GeneDx
Classification: Likely benign. Last evaluated: 2016-10-10. Review status: criteria provided, single submitter. Criteria: GeneDx Variant Classification (06012015). Collection method: clinical testing. Allele origin: germline. Affected: yes.
Comment: This variant is considered likely benign or benign based on one or more of the following criteria: it is a conservative change, it occurs at a poorly conserved position in the protein, it is predicted to be benign by multiple in silico algorithms, and/or has population frequency not consistent with disease.